The following is an entry in ClinVar:

ClinVar aggregate classification (germline): Pathogenic/Likely pathogenic. Review status: criteria provided, multiple submitters, no conflicts (2 of 4 stars). 3 submissions from 3 submitters: Pathogenic (1); Likely pathogenic (2). Last evaluated 2026-04-24.

Conditions:
HPD-related disorder. Also called: HPD-related condition.
Hawkinsinuria. Identifiers: Orphanet 2118, MedGen C2931042, MONDO:0007700, OMIM 140350, HP:0034457.
Tyrosinemia type III. Also called: 4-HYDROXYPHENYLPYRUVIC ACID OXIDASE DEFICIENCY; Tyrosinemia type 3; 4-alpha hydroxyphenylpyruvic acid oxidase deficiency; 4-alpha hydroxyphenylpyruvate dioxygenase deficiency; 4-Hydroxyphenylpyruvate dioxygenase deficiency. Identifiers: Orphanet 69723, MedGen C0268623, MONDO:0010162, OMIM 276710.

Allele frequency attached by ClinVar (database versions not stated): ExAC 0.00001; gnomAD 0.00001; gnomAD exomes 0.00001; TOPMed 0.00001.
gnomAD v4.1: 19 of 1,613,738 alleles (0.0012%); highest among the groups gnomAD compares: Non-Finnish European, 0.0014%; no homozygotes.

Submissions (3):

PreventionGenetics, part of Exact Sciences
Classification: Likely pathogenic for HPD-related condition. Last evaluated: 2026-04-24. Review status: criteria provided, single submitter. Criteria: ACMG Guidelines, 2015. Collection method: clinical testing. Allele origin: germline.
Comment: The HPD c.43C>T variant is predicted to result in premature protein termination (p.Arg15*). To our knowledge, this variant has not been reported in the literature. This variant is reported in 0.0033% of alleles in individuals of South Asian descent in gnomAD. Nonsense variants in HPD are expected to be pathogenic. This variant is interpreted as likely pathogenic.

Fulgent Genetics
Classification: Likely pathogenic for Hawkinsinuria; Tyrosinemia type III. Last evaluated: 2024-05-21. Review status: criteria provided, single submitter. Criteria: ACMG Guidelines, 2015. Collection method: clinical testing. Allele origin: germline.

Labcorp Genetics (formerly Invitae), Labcorp
Classification: Pathogenic for Tyrosinemia type III; Hawkinsinuria. Last evaluated: 2023-07-07. Review status: criteria provided, single submitter. Criteria: Invitae Variant Classification Sherloc (09022015). Collection method: clinical testing. Allele origin: germline.
Comment: For these reasons, this variant has been classified as Pathogenic. ClinVar contains an entry for this variant (Variation ID: 570062). This variant has not been reported in the literature in individuals affected with HPD-related conditions. This variant is present in population databases (rs775747384, gnomAD 0.003%). This sequence change creates a premature translational stop signal (p.Arg15*) in the HPD gene. It is expected to result in an absent or disrupted protein product. Loss-of-function variants in HPD are known to be pathogenic (PMID: 10942115, 23036342).

Literature cited by the submitters: PubMed 10942115 (cited by Labcorp Genetics (formerly Invitae), Labcorp); PubMed 23036342 (cited by Labcorp Genetics (formerly Invitae), Labcorp).

NM_002150.3(HPD):c.43C>T (p.Arg15Ter)

Genes: HPD (4-hydroxyphenylpyruvate dioxygenase; minus strand), TIALD (transcript inducer of AURKA lysosomal degradation; plus strand). Cytogenetic location: 12q24.31.
Variant type: single nucleotide variant.
Coding change: c.43C>T on transcript NM_002150.3 (MANE Select); coding-DNA position 43, C replaced by T.
Protein change: p.Arg15Ter; replaces arginine 15 with a stop codon.
Molecular consequence: nonsense. On other transcripts: 5 prime UTR variant (1).
Genome position (GRCh38, 1-based): chr12:121,857,807, G>A on the plus strand (C>T on the coding strand, the complement: HPD is on the minus strand). VCF-style: chr12-121857807-G-A. GRCh37 (hg19) VCF-style: chr12-122295713-G-A.
Other names: c.-75C>T (NM_001171993.2); short protein forms R15*.
Identifiers: ClinVar variation 570062 (VCV000570062.9), dbSNP rs775747384, ClinGen allele CA6839854.